The following is an entry in ClinVar:

ClinVar aggregate classification (germline): Uncertain significance (1 of 4 stars; one submission).

Conditions:
Hereditary cancer-predisposing syndrome. Also called: Neoplastic Syndromes, Hereditary; Tumor predisposition; Hereditary neoplastic syndrome; Hereditary Cancer Syndrome. Identifiers: Orphanet 140162, MedGen C0027672, MeSH D009386, MONDO:0015356.

Submission:

Ambry Genetics
Classification: Uncertain significance for Hereditary cancer-predisposing syndrome. Last evaluated: 2026-07-07. Review status: criteria provided, single submitter. Criteria: Ambry Variant Classification Scheme 2023. Collection method: clinical testing. Allele origin: germline.
Comment: The p.D419V variant (also known as c.1256A>T), located in coding exon 9 of the CDH1 gene, results from an A to T substitution at nucleotide position 1256. The aspartic acid at codon 419 is replaced by valine, an amino acid with highly dissimilar properties. This amino acid position is conserved. In addition, this alteration is predicted to be tolerated by in silico analysis. Based on the available evidence, the clinical significance of this variant remains unclear.

NM_004360.5(CDH1):c.1256A>T (p.Asp419Val)

Gene: CDH1 (cadherin 1; plus strand). Cytogenetic location: 16q22.1.
Variant type: single nucleotide variant.
Coding change: c.1256A>T on transcript NM_004360.5 (MANE Select); coding-DNA position 1256, A replaced by T.
Protein change: p.Asp419Val; replaces aspartic acid 419 with valine.
Molecular consequence: missense variant. On other transcripts: 5 prime UTR variant (2), intron variant (1).
Genome position (GRCh38, 1-based): chr16:68,813,431, A>T. VCF-style: chr16-68813431-A-T. GRCh37 (hg19) VCF-style: chr16-68847334-A-T.
Other names: c.-360A>T (NM_001317185.2); c.-564A>T (NM_001317186.2); c.1137+1168A>T (NM_001317184.2); short protein forms D419V.
Identifiers: ClinVar variation 5033994 (VCV005033994.1).